The following is an entry in ClinVar:

NM_001037131.3(AGAP1):c.2227G>A (p.Glu743Lys)

Gene: AGAP1 (ArfGAP with GTPase domain, ankyrin repeat and PH domain 1; plus strand). Cytogenetic location: 2q37.2.
Variant type: single nucleotide variant.
Coding change: c.2227G>A on transcript NM_001037131.3 (MANE Select); coding-DNA position 2227, G replaced by A.
Protein change: p.Glu743Lys; replaces glutamic acid 743 with lysine.
Molecular consequence: missense variant.
Genome position (GRCh38, 1-based): chr2:236,120,304, G>A. VCF-style: chr2-236120304-G-A. GRCh37 (hg19) VCF-style: chr2-237028948-G-A.
Other names: c.2068G>A, p.Glu690Lys (NM_014914.5); short protein forms E690K, E743K.
Identifiers: ClinVar variation 1985950 (VCV001985950.4), dbSNP rs751374821, ClinGen allele CA2185191.

ClinVar aggregate classification (germline): Uncertain significance (1 of 4 stars; one submission).

Allele frequency attached by ClinVar (database versions not stated): ExAC 0.00001; gnomAD exomes 0.00001; gnomAD 0.00002; TOPMed 0.00002.
gnomAD v4.1: 19 of 1,612,696 alleles (0.0012%); highest among the groups gnomAD compares: Admixed American, 0.0017%; no homozygotes.

Submission:

Labcorp Genetics (formerly Invitae), Labcorp
Classification: Uncertain significance. Last evaluated: 2022-11-22. Review status: criteria provided, single submitter. Criteria: Invitae Variant Classification Sherloc (09022015). Collection method: clinical testing. Allele origin: germline.
Comment: In summary, the available evidence is currently insufficient to determine the role of this variant in disease. Therefore, it has been classified as a Variant of Uncertain Significance. Algorithms developed to predict the effect of missense changes on protein structure and function are either unavailable or do not agree on the potential impact of this missense change (SIFT: "Tolerated"; PolyPhen-2: "Probably Damaging"; Align-GVGD: "Class C0"). This variant has not been reported in the literature in individuals affected with AGAP1-related conditions. This variant is present in population databases (rs751374821, gnomAD 0.009%). This sequence change replaces glutamic acid, which is acidic and polar, with lysine, which is basic and polar, at codon 690 of the AGAP1 protein (p.Glu690Lys).